The following is an entry in ClinVar:

ClinVar aggregate classification (germline): Pathogenic. Review status: criteria provided, multiple submitters, no conflicts (2 of 4 stars). 4 submissions from 4 submitters: Pathogenic (3). 1 of the submissions does not count toward it. Last evaluated 2021-05-21.

Conditions:
Early-infantile DEE. Also called: Early infantile epileptic encephalopathy with suppression bursts; Early infantile epileptic encephalopathy; Ohtahara syndrome. Identifiers: Orphanet 1934, MedGen C0393706, MONDO:0800491.
KCNQ2-Related Disorders. Also called: KCNQ2-related disorder; KCNQ2-related condition. Identifiers: MedGen CN169299.
Epileptic encephalopathy. Identifiers: MedGen C0543888, HP:0200134.

Submissions (4):

Labcorp Genetics (formerly Invitae), Labcorp
Classification: Pathogenic for Early-infantile DEE. Last evaluated: 2021-05-21. Review status: criteria provided, single submitter. Criteria: Invitae Variant Classification Sherloc (09022015). Collection method: clinical testing. Allele origin: germline.
Comment: For these reasons, this variant has been classified as Pathogenic. This variant disrupts the C-terminus of the KCNQ2 protein. Other variant(s) that disrupt this region (p.Lys829Serfs*35) have been determined to be pathogenic (Invitae). This suggests that variants that disrupt this region of the protein are likely to be causative of disease. This variant has been observed in individual(s) with clinical features of KCNQ2-related conditions (PMID: 29655203, 32581362). ClinVar contains an entry for this variant (Variation ID: 418894). The frequency data for this variant in the population databases is considered unreliable, as metrics indicate insufficient coverage at this position in the ExAC database. This sequence change results in a premature translational stop signal in the KCNQ2 gene (p.Val710Cysfs*155). While this is not anticipated to result in nonsense mediated decay, it is expected to disrupt the last 163 amino acid(s) of the KCNQ2 protein.

GeneDx
Classification: Pathogenic. Last evaluated: 2015-04-13. Review status: criteria provided, single submitter. Criteria: GeneDx Variant Classification (06012015). Collection method: clinical testing. Allele origin: germline. Affected: yes.
Comment: The c.2126dupC duplication in the KCNQ2 gene causes a frameshift starting with codon Valine 710, changesthis amino acid to a Cysteine residue and creates a premature Stop codon at position 155 of the new readingframe, denoted p.Val710CysfsX155. Thisvariant is predicted to cause loss of normal protein functionthrough protein truncation, as the last 163 amino acids of the KCNQ2 protein are lost and replaced with 154incorrect amino acids. Although this duplication has not been previously reported to our knowledge, othertruncating variants in the KCNQ2 gene have been reported in association with KCNQ2-related disorders(Stenson et al., 2014). Therefore, we interpret this variant as pathogenic.

Rady Children's Institute for Genomic Medicine, Rady Children's Hospital San Diego
Classification: Pathogenic for KCNQ2-Related Disorders. Review status: criteria provided, single submitter. Criteria: ACMG Guidelines, 2015. Collection method: clinical testing. Allele origin: germline. Affected: yes.
Comment: This frameshift variant in the last exon of KCNQ2 introduces a premature stop codon and is therefore predicted to result in loss of normal protein function through protein truncation. This variant has been previously reported as a heterozygous change in two patients with epilepsy and/or neurodevelopmental disorder (PMID: 29655203, 32581362). Additionally, other nonsense/frameshift variants located downstream of this variant have been reported as disease-causing variants in the literature (PMID: 29655203, 31418850, 32712949). It is absent from the gnomAD population database and thus is presumed to be rare. Analysis of the parental samples was negative for the variant, indicating this variant likely occurred as a de novo event. Based on the available evidence, the c.2126dup (p.Val710CysfsTer155) variant is classified as Pathogenic.

NIHR Bioresource Rare Diseases, University of Cambridge
Classification: Likely pathogenic for Epileptic encephalopathy. Review status: no assertion criteria provided. Collection method: research. Allele origin: unknown. Affected: yes. Observed: 1 variant allele. Not counted in ClinVar's aggregate classification.

Literature cited by the submitters: PubMed 29655203 (cited by Labcorp Genetics (formerly Invitae), Labcorp); PubMed 32581362 (cited by Labcorp Genetics (formerly Invitae), Labcorp and NIHR Bioresource Rare Diseases, University of Cambridge).

NM_172107.4(KCNQ2):c.2126dup (p.Val710fs)

Gene: KCNQ2 (potassium voltage-gated channel subfamily Q member 2; minus strand). Cytogenetic location: 20q13.33.
Variant type: Duplication.
Coding change: c.2126dup on transcript NM_172107.4 (MANE Select); coding-DNA position 2126, one base duplicated (C; older notation c.2126dupC).
Protein change: p.Val710fs; shifts the reading frame from valine 710.
Molecular consequence: frameshift variant.
Genome position (GRCh38, 1-based): chr20:63,407,137, G duplicated on the plus strand (C on the coding strand, the reverse complement: KCNQ2 is on the minus strand); the first of 5 consecutive G bases (chr20:63,407,137-63,407,141); duplicating any one gives the same sequence. VCF-style (leftmost placement, unchanged base first): chr20-63407136-A-AG. GRCh37 (hg19) VCF-style: chr20-62038489-A-AG.
Other names: c.2042dup, p.Val682fs (NM_004518.6); c.2072dup, p.Val692fs (NM_172106.3); c.2033dup, p.Val679fs (NM_172108.5); c.2126dup (NM_172107.3); short protein forms V679fs, V692fs, V710fs, V682fs.
Identifiers: ClinVar variation 418894 (VCV000418894.12), dbSNP rs1555850842, ClinGen allele CA16620962.